The following is an entry in ClinVar:

NM_001165963.4(SCN1A):c.316del (p.Ser106fs)

Gene: SCN1A (sodium voltage-gated channel alpha subunit 1; minus strand). Cytogenetic location: 2q24.3.
Variant type: Deletion.
Coding change: c.316del on transcript NM_001165963.4 (MANE Select); coding-DNA position 316, one base deleted (T; older notation c.316delT).
Protein change: p.Ser106fs; shifts the reading frame from serine 106.
Molecular consequence: frameshift variant. On other transcripts: 5 prime UTR variant (1), non-coding transcript variant (1).
Genome position (GRCh38, 1-based): chr2:166,058,637, A deleted on the plus strand (T on the coding strand, the reverse complement: SCN1A is on the minus strand). VCF-style (leftmost placement, unchanged base first): chr2-166058636-GA-G. GRCh37 (hg19) VCF-style: chr2-166915146-GA-G.
Other names: c.316del, p.Ser106fs (NM_001353952.2, NM_001353954.2, NM_001353955.2 and 10 more transcripts); c.-2110del (NM_001353961.2); short protein forms S106fs.
Identifiers: ClinVar variation 3722319 (VCV003722319.2).

ClinVar aggregate classification (germline): Pathogenic (1 of 4 stars; one submission).

Conditions:
Early-infantile DEE. Also called: Ohtahara syndrome; Early infantile epileptic encephalopathy with suppression bursts; Early infantile epileptic encephalopathy. Identifiers: Orphanet 1934, MedGen C0393706, MONDO:0800491.

Submission:

Labcorp Genetics (formerly Invitae), Labcorp
Classification: Pathogenic for Early-infantile DEE. Last evaluated: 2024-10-06. Review status: criteria provided, single submitter. Criteria: Invitae Variant Classification Sherloc (09022015). Collection method: clinical testing. Allele origin: germline.
Comment: This sequence change creates a premature translational stop signal (p.Ser106Leufs*6) in the SCN1A gene. It is expected to result in an absent or disrupted protein product. Loss-of-function variants in SCN1A are known to be pathogenic (PMID: 17347258, 18930999). This variant is not present in population databases (gnomAD no frequency). This variant has not been reported in the literature in individuals affected with SCN1A-related conditions. Algorithms developed to predict the effect of sequence changes on RNA splicing suggest that this variant may disrupt the consensus splice site. For these reasons, this variant has been classified as Pathogenic.

Literature cited by the submitters: PubMed 17347258; PubMed 18930999.